The following is an entry in ClinVar:

ClinVar aggregate classification (germline): Uncertain significance (1 of 4 stars; one submission).

Submission:

GeneDx
Classification: Uncertain significance. Last evaluated: 2024-04-11. Review status: criteria provided, single submitter. Criteria: GeneDx Variant Classification Process June 2021. Collection method: clinical testing. Allele origin: germline. Affected: yes.
Comment: Not observed at significant frequency in large population cohorts (gnomAD); In silico analysis indicates that this missense variant does not alter protein structure/function; Has not been previously published as pathogenic or benign to our knowledge

NM_001368882.1(COL13A1):c.1387G>A (p.Glu463Lys)

Gene: COL13A1 (collagen type XIII alpha 1 chain; plus strand). Cytogenetic location: 10q22.1.
Variant type: single nucleotide variant.
Coding change: c.1387G>A on transcript NM_001368882.1 (MANE Select); coding-DNA position 1387, G replaced by A.
Protein change: p.Glu463Lys; replaces glutamic acid 463 with lysine.
Molecular consequence: missense variant.
Genome position (GRCh38, 1-based): chr10:69,925,861, G>A. VCF-style: chr10-69925861-G-A. GRCh37 (hg19) VCF-style: chr10-71685617-G-A.
Other names: c.1354G>A, p.Glu452Lys (NM_001130103.2); c.1324G>A, p.Glu442Lys (NM_001320951.2, NM_001368884.1); c.1351G>A, p.Glu451Lys (NM_001368883.1); c.1288G>A, p.Glu430Lys (NM_001368885.1, NM_080801.4, NM_080802.4); c.724G>A, p.Glu242Lys (NM_001368886.1); c.1297G>A, p.Glu433Lys (NM_001368895.1, NM_080800.4); c.1183G>A, p.Glu395Lys (NM_001368896.1, NM_001368898.1, NM_080798.4); c.1210G>A, p.Glu404Lys (NM_001368897.1); and 1 more; short protein forms E242K, E395K, E401K, E404K, E430K, E433K, E442K, E451K.
Identifiers: ClinVar variation 3372111 (VCV003372111.1).